The following is an entry in ClinVar:

NM_013450.4(BAZ2B):c.3438T>C (p.Ala1146=)

Gene: BAZ2B (bromodomain adjacent to zinc finger domain 2B; minus strand). Cytogenetic location: 2q24.2.
Variant type: single nucleotide variant.
Coding change: c.3438T>C on transcript NM_013450.4 (MANE Select); coding-DNA position 3438, T replaced by C.
Protein change: p.Ala1146=; no amino-acid change (alanine 1146 retained).
Molecular consequence: synonymous variant.
Genome position (GRCh38, 1-based): chr2:159,386,386, A>G on the plus strand (T>C on the coding strand, the complement: BAZ2B is on the minus strand). VCF-style: chr2-159386386-A-G. GRCh37 (hg19) VCF-style: chr2-160242897-A-G.
Other names: c.3330T>C, p.Ala1110= (NM_001289975.1); c.3276T>C, p.Ala1092= (NM_001329857.2); c.3363T>C, p.Ala1121= (NM_001329858.2).
Identifiers: ClinVar variation 3053573 (VCV003053573.2), dbSNP rs367772317, ClinGen allele CA1924362.

ClinVar aggregate classification (germline): Likely benign (0 of 4 stars; one submission).

Conditions:
BAZ2B-related disorder. Also called: BAZ2B-related condition.

Allele frequency attached by ClinVar (database versions not stated): ExAC 0.00008; TOPMed 0.00014; gnomAD 0.00016; ESP Exome Variant Server 0.00017; gnomAD exomes 0.00024.
gnomAD v4.1: 370 of 1,613,232 alleles (0.023%); highest among the groups gnomAD compares: Non-Finnish European, 0.03%; no homozygotes.

Submission:

PreventionGenetics, part of Exact Sciences
Classification: Likely benign for BAZ2B-related condition. Last evaluated: 2019-08-27. Review status: no assertion criteria provided. Collection method: clinical testing. Allele origin: germline.
Comment: This variant is classified as likely benign based on ACMG/AMP sequence variant interpretation guidelines (Richards et al. 2015 PMID: 25741868, with internal and published modifications).